The following is an entry in ClinVar:

ClinVar aggregate classification (germline): Uncertain significance (1 of 4 stars; one submission).

Conditions:
Hereditary cancer-predisposing syndrome. Also called: Neoplastic Syndromes, Hereditary; Hereditary neoplastic syndrome; Tumor predisposition; Hereditary Cancer Syndrome. Identifiers: Orphanet 140162, MedGen C0027672, MeSH D009386, MONDO:0015356.

Submission:

Color Diagnostics, LLC DBA Color Health
Classification: Uncertain significance for Hereditary cancer-predisposing syndrome. Last evaluated: 2025-07-14. Review status: criteria provided, single submitter. Criteria: ACMG Guidelines, 2015. Collection method: clinical testing. Allele origin: germline.
Comment: This missense variant replaces arginine with glycine at codon 581 of the MSH6 protein. Computational prediction suggests that this variant may have deleterious impact on protein structure and function. To our knowledge, functional studies have not been reported for this variant. This variant has not been reported in individuals affected with MSH6-related disorders in the literature. This variant has not been identified in the general population by the Genome Aggregation Database (gnomAD). The available evidence is insufficient to determine the role of this variant in disease conclusively. Therefore, this variant is classified as a Variant of Uncertain Significance.

NM_000179.3(MSH6):c.1741A>G (p.Arg581Gly)

Gene: MSH6 (mutS homolog 6; plus strand). Cytogenetic location: 2p16.3.
Variant type: single nucleotide variant.
Coding change: c.1741A>G on transcript NM_000179.3 (MANE Select); coding-DNA position 1741, A replaced by G.
Protein change: p.Arg581Gly; replaces arginine 581 with glycine.
Molecular consequence: missense variant. On other transcripts: non-coding transcript variant (4), intron variant (2).
Genome position (GRCh38, 1-based): chr2:47,799,724, A>G. VCF-style: chr2-47799724-A-G. GRCh37 (hg19) VCF-style: chr2-48026863-A-G.
Other names: c.1351A>G, p.Arg451Gly (NM_001281492.2); c.835A>G, p.Arg279Gly (NM_001281493.2, NM_001281494.2, NM_001406811.1 and 6 more transcripts); c.1837A>G, p.Arg613Gly (NM_001406795.1, NM_001406802.1); c.1741A>G, p.Arg581Gly (NM_001406796.1, NM_001406798.1, NM_001406800.1 and 3 more transcripts); c.1444A>G, p.Arg482Gly (NM_001406797.1, NM_001406801.1, NM_001406805.1 and 10 more transcripts); c.1216A>G, p.Arg406Gly (NM_001406799.1, NM_001406806.1, NM_001406807.1); c.1663A>G, p.Arg555Gly (NM_001406804.1); c.1747A>G, p.Arg583Gly (NM_001406813.1); and 3 more; short protein forms R279G, R406G, R451G, R482G, R525G, R555G, R581G, R583G.
Identifiers: ClinVar variation 4758956 (VCV004758956.1).
Genomic context (GRCh38, chr2:47,799,724, plus strand): 5'-GTTGATACTTCACTGGGAAAGTTTTTCATAGGTCAGTTTTCAGATGATCGCCATTGTTCG[A>G]GATTTAGGACTCTAGTGGCACACTATCCCCCAGTACAAGTTTTATTTGAAAAAGGAAATC-3'
Protein context (NP_000170.1, residues 571-591): GQFSDDRHCS[Arg581Gly]FRTLVAHYPP